The following is an entry in ClinVar:

NM_006790.3(MYOT):c.1391_1398del (p.Tyr463_Leu464insTer)

Genes: MYOT (myotilin; plus strand), PKD2L2-DT (PKD2L2 divergent transcript; minus strand). Cytogenetic location: 5q31.2.
Variant type: Deletion.
Coding change: c.1391_1398del on transcript NM_006790.3 (MANE Select); coding-DNA positions 1391 to 1398, 8 bases deleted (TAGCACTT; older notation c.1391_1398delTAGCACTT).
Protein change: p.Tyr463_Leu464insTer.
Molecular consequence: nonsense.
Genome position (GRCh38, 1-based): chr5:137,887,279-137,887,286, TAGCACTT deleted; deleting any 8 consecutive bases within chr5:137,887,277-137,887,286 gives the same sequence; the c. name uses the placement nearest the transcript's 3' end. VCF-style (leftmost placement, unchanged base first): chr5-137887276-ATTTAGCAC-A. GRCh37 (hg19) VCF-style: chr5-137222965-ATTTAGCAC-A.
Other names: c.839_846del, p.Tyr279_Leu280insTer (NM_001135940.2); c.1046_1053del, p.Tyr348_Leu349insTer (NM_001300911.2).
Identifiers: ClinVar variation 2853567 (VCV002853567.3), dbSNP rs2532026835, ClinGen allele CA2739275100.

ClinVar aggregate classification (germline): Uncertain significance (1 of 4 stars; one submission).

Conditions:
Myofibrillar myopathy 3 (MFM3). Also called: Muscular dystrophy, proximal, type 1A; Autosomal dominant spheroid body myopathy. Identifiers: Orphanet 266, Orphanet 268129, MedGen C3714934, MONDO:0012215, OMIM 609200.

Submission:

Labcorp Genetics (formerly Invitae), Labcorp
Classification: Uncertain significance for Myofibrillar myopathy 3. Last evaluated: 2023-04-08. Review status: criteria provided, single submitter. Criteria: Invitae Variant Classification Sherloc (09022015). Collection method: clinical testing. Allele origin: germline.
Comment: In summary, the available evidence is currently insufficient to determine the role of this variant in disease. Therefore, it has been classified as a Variant of Uncertain Significance. This sequence change creates a premature translational stop signal (p.Leu464*) in the MYOT gene. While this is not anticipated to result in nonsense mediated decay, it is expected to disrupt the last 35 amino acid(s) of the MYOT protein. This variant is not present in population databases (gnomAD no frequency). This variant has not been reported in the literature in individuals affected with MYOT-related conditions. Experimental studies and prediction algorithms are not available or were not evaluated, and the functional significance of this variant is currently unknown.